The following is an entry in ClinVar:

NM_052876.4(NACC1):c.481C>T (p.Pro161Ser)

Gene: NACC1 (nucleus accumbens associated 1; plus strand). Cytogenetic location: 19p13.13.
Variant type: single nucleotide variant.
Coding change: c.481C>T on transcript NM_052876.4 (MANE Select); coding-DNA position 481, C replaced by T.
Protein change: p.Pro161Ser; replaces proline 161 with serine.
Molecular consequence: missense variant.
Genome position (GRCh38, 1-based): chr19:13,135,688, C>T. VCF-style: chr19-13135688-C-T. GRCh37 (hg19) VCF-style: chr19-13246502-C-T.
Other names: c.481C>T (NM_052876.3); short protein forms P161S.
Identifiers: ClinVar variation 1617239 (VCV001617239.11), dbSNP rs201757007, ClinGen allele CA9238280.
Genomic context (GRCh38, chr19:13,135,688, plus strand): 5'-TCGGAGCCCCAGAGCCCCGTGGCGCAGACATCGGGCTGGCCAGCCTGTAGCACCCCGCTG[C>T]CCCTCGTGTCGCGGGTGAAGACGGAGCAGCAGGAGTCGGACTCCGTGCAGTGCATGCCCG-3'
Protein context (NP_443108.1, residues 151-171): SGWPACSTPL[Pro161Ser]LVSRVKTEQQ

ClinVar aggregate classification (germline): Benign/Likely benign. Review status: criteria provided, multiple submitters, no conflicts (2 of 4 stars). 3 submissions from 3 submitters: Benign (1); Likely benign (1). 1 of the submissions does not count toward it. Last evaluated 2026-01-05.

Conditions:
NACC1-related disorder. Also called: NACC1-related condition.

Allele frequency attached by ClinVar (database versions not stated): gnomAD exomes 0.00009 and 0.00024; ExAC 0.00055; ESP Exome Variant Server 0.00056; 1000 Genomes Project 0.00060; 1000 Genomes Project 30x 0.00062; gnomAD 0.00072 and 0.00077; TOPMed 0.00105.
gnomAD v4.1: 242 of 1,553,946 alleles (0.016%); highest among the groups gnomAD compares: African/African-American, 0.3%; no homozygotes.

Submissions (3):

Labcorp Genetics (formerly Invitae), Labcorp
Classification: Benign. Last evaluated: 2026-01-05. Review status: criteria provided, single submitter. Criteria: Invitae Variant Classification Sherloc (09022015). Collection method: clinical testing. Allele origin: germline.

Blueprint Genetics
Classification: Likely benign. Last evaluated: 2024-11-27. Review status: criteria provided, single submitter. Criteria: ACMG Guidelines, 2015. Collection method: clinical testing. Allele origin: germline.

PreventionGenetics, part of Exact Sciences
Classification: Likely benign for NACC1-related condition. Last evaluated: 2024-01-22. Review status: no assertion criteria provided. Collection method: clinical testing. Allele origin: germline. Not counted in ClinVar's aggregate classification.
Comment: This variant is classified as likely benign based on ACMG/AMP sequence variant interpretation guidelines (Richards et al. 2015 PMID: 25741868, with internal and published modifications).